The following is an entry in ClinVar:

ClinVar aggregate classification (germline): Uncertain significance. Review status: criteria provided, multiple submitters, no conflicts (2 of 4 stars). 4 submissions from 4 submitters: Uncertain significance (4). Last evaluated 2025-11-01.

Conditions:
Epilepsy, idiopathic generalized, susceptibility to, 11 (EIG11). Identifiers: Orphanet 307, MedGen C2750893, MONDO:0011875, OMIM 607628.
Familial hyperaldosteronism type II. Also called: FH II. Identifiers: Orphanet 404, MedGen C1854107, MONDO:0011576, OMIM 605635.
Leukoencephalopathy with mild cerebellar ataxia and white matter edema (LKPAT). Also called: CLCN2-Related Leukoencephalopathy; Leukoencephalopathy with ataxia; Leukoencephalopathy with white matter edema; Brain white matter edema. Identifiers: Orphanet 363540, MedGen C4554120, MONDO:0014292, OMIM 615651. Disease mechanism: loss of function.
Inborn genetic diseases. Identifiers: MedGen C0950123, MeSH D030342.

Allele frequency attached by ClinVar (database versions not stated): ExAC 0.00001; gnomAD 0.00001; TOPMed 0.00003.

Submissions (4):

CeGaT Center for Human Genetics Tuebingen
Classification: Uncertain significance. Last evaluated: 2025-11-01. Review status: criteria provided, single submitter. Criteria: CeGaT Center For Human Genetics Tuebingen Variant Classification Criteria Version 2. Collection method: clinical testing. Allele origin: germline. Affected: yes. Observed: 1 variant allele.

Fulgent Genetics
Classification: Uncertain significance for Familial hyperaldosteronism type II; Epilepsy, idiopathic generalized, susceptibility to, 11; Leukoencephalopathy with mild cerebellar ataxia and white matter edema. Last evaluated: 2024-06-04. Review status: criteria provided, single submitter. Criteria: ACMG Guidelines, 2015. Collection method: clinical testing. Allele origin: germline.

Ambry Genetics
Classification: Uncertain significance for Inborn genetic diseases. Last evaluated: 2023-11-17. Review status: criteria provided, single submitter. Criteria: Ambry Variant Classification Scheme 2023. Collection method: clinical testing. Allele origin: germline.

Labcorp Genetics (formerly Invitae), Labcorp
Classification: Uncertain significance. Last evaluated: 2023-04-14. Review status: criteria provided, single submitter. Criteria: Invitae Variant Classification Sherloc (09022015). Collection method: clinical testing. Allele origin: germline.
Comment: In summary, the available evidence is currently insufficient to determine the role of this variant in disease. Therefore, it has been classified as a Variant of Uncertain Significance. Advanced modeling of protein sequence and biophysical properties (such as structural, functional, and spatial information, amino acid conservation, physicochemical variation, residue mobility, and thermodynamic stability) performed at Invitae indicates that this missense variant is not expected to disrupt CLCN2 protein function. ClinVar contains an entry for this variant (Variation ID: 2201817). This variant has not been reported in the literature in individuals affected with CLCN2-related conditions. This variant is present in population databases (rs750563291, gnomAD 0.008%). This sequence change replaces proline, which is neutral and non-polar, with leucine, which is neutral and non-polar, at codon 782 of the CLCN2 protein (p.Pro782Leu).

NM_004366.6(CLCN2):c.2345C>T (p.Pro782Leu)

Gene: CLCN2 (chloride voltage-gated channel 2; minus strand). Cytogenetic location: 3q27.1.
Variant type: single nucleotide variant.
Coding change: c.2345C>T on transcript NM_004366.6 (MANE Select); coding-DNA position 2345, C replaced by T.
Protein change: p.Pro782Leu; replaces proline 782 with leucine.
Molecular consequence: missense variant.
Genome position (GRCh38, 1-based): chr3:184,352,083, G>A on the plus strand (C>T on the coding strand, the complement: CLCN2 is on the minus strand). VCF-style: chr3-184352083-G-A. GRCh37 (hg19) VCF-style: chr3-184069871-G-A.
Other names: c.2294C>T, p.Pro765Leu (NM_001171087.3); c.2213C>T, p.Pro738Leu (NM_001171088.3); c.2345C>T, p.Pro782Leu (NM_001171089.3); c.2345C>T (NM_004366.4); short protein forms P765L, P738L, P782L.
Identifiers: ClinVar variation 2201817 (VCV002201817.12), dbSNP rs750563291, ClinGen allele CA2733722.